The following is an entry in ClinVar:

NC_000007.13:g.(?_77530028)_(79082636_?)del

Genes: MAGI2 (membrane associated guanylate kinase, WW and PDZ domain containing 2; minus strand), PHTF2 (putative homeodomain transcription factor 2; plus strand). Cytogenetic location: 7q21.11.
Variant type: Deletion.
Identifiers: ClinVar variation 2425793 (VCV002425793.3).

ClinVar aggregate classification (germline): Pathogenic (1 of 4 stars; one submission).

Submission:

Labcorp Genetics (formerly Invitae), Labcorp
Classification: Pathogenic. Last evaluated: 2022-07-18. Review status: criteria provided, single submitter. Criteria: Invitae Variant Classification Sherloc (09022015). Collection method: clinical testing. Allele origin: germline.
Comment: A gross deletion of the genomic region encompassing the full coding sequence of the MAGI2 gene has been identified. Loss-of-function variants in MAGI2 are known to be pathogenic (PMID: 25271328, 27932480, 29773874). The boundaries of this event are unknown as they extend beyond the assayed region for this gene and therefore may encompass additional genes. Isolated whole-gene deletions of MAGI2 have not been reported in the literature. However, larger copy number events that include this gene have been reported (PMID: 18565486). For these reasons, this variant has been classified as Pathogenic.

Literature cited by the submitters: PubMed 25271328; PubMed 27932480; PubMed 29773874; PubMed 18565486.